The following is an entry in ClinVar:

NM_017654.4(SAMD9):c.2218G>A (p.Gly740Ser)

Gene: SAMD9 (sterile alpha motif domain containing 9; minus strand). Cytogenetic location: 7q21.2.
Variant type: single nucleotide variant.
Coding change: c.2218G>A on transcript NM_017654.4 (MANE Select); coding-DNA position 2218, G replaced by A.
Protein change: p.Gly740Ser; replaces glycine 740 with serine.
Molecular consequence: missense variant.
Genome position (GRCh38, 1-based): chr7:93,103,880, C>T on the plus strand (G>A on the coding strand, the complement: SAMD9 is on the minus strand). VCF-style: chr7-93103880-C-T. GRCh37 (hg19) VCF-style: chr7-92733193-C-T.
Other names: c.2218G>A (NM_017654.3); c.2218G>A, p.Gly740Ser (NM_001193307.2); short protein forms G740S.
Identifiers: ClinVar variation 3612416 (VCV003612416.3).
Genomic context (GRCh38, chr7:93,103,880, plus strand): 5'-ATCTGAATTTCTTCCTTAGTTCCCAGAGAATGTGCATAGCCAAGGTAGTTCCCCCACAGC[C>T]TGGATGATGATACAGATGAATAATTTTGGTACTTGTTGGTTTAGAAGAATCTGCACAGTT-3'
Protein context (NP_060124.2, residues 730-750): TKIIHLYHHP[Gly740Ser]CGGTTLAMHI

ClinVar aggregate classification (germline): Uncertain significance. Review status: criteria provided, multiple submitters, no conflicts (2 of 4 stars). 2 submissions from 2 submitters: Uncertain significance (2). Last evaluated 2025-11-06.

Conditions:
Inborn genetic diseases. Identifiers: MedGen C0950123, MeSH D030342.

gnomAD v4.1: 18 of 1,613,868 alleles (0.0011%); highest among the groups gnomAD compares: Non-Finnish European, 0.0011%; no homozygotes.

Submissions (2):

Labcorp Genetics (formerly Invitae), Labcorp
Classification: Uncertain significance. Last evaluated: 2025-11-06. Review status: criteria provided, single submitter. Criteria: Invitae Variant Classification Sherloc (09022015). Collection method: clinical testing. Allele origin: germline.
Comment: This sequence change replaces glycine, which is neutral and non-polar, with serine, which is neutral and polar, at codon 740 of the SAMD9 protein (p.Gly740Ser). This variant is present in population databases (rs777242540, gnomAD 0.008%). This variant has not been reported in the literature in individuals affected with SAMD9-related conditions. ClinVar contains an entry for this variant (Variation ID: 3612416). Invitae Evidence Modeling of protein sequence and biophysical properties (such as structural, functional, and spatial information, amino acid conservation, physicochemical variation, residue mobility, and thermodynamic stability) has been performed for this missense variant. However, the output from this modeling did not meet the statistical confidence thresholds required to predict the impact of this variant on SAMD9 protein function. In summary, the available evidence is currently insufficient to determine the role of this variant in disease. Therefore, it has been classified as a Variant of Uncertain Significance.

Ambry Genetics
Classification: Uncertain significance for Inborn genetic diseases. Last evaluated: 2025-01-09. Review status: criteria provided, single submitter. Criteria: Ambry Variant Classification Scheme 2023. Collection method: clinical testing. Allele origin: germline.
Comment: The p.G740S variant (also known as c.2218G>A), located in coding exon 1 of the SAMD9 gene, results from a G to A substitution at nucleotide position 2218. The glycine at codon 740 is replaced by serine, an amino acid with similar properties. This amino acid position is conserved. In addition, this alteration is predicted to be deleterious by in silico analysis. Based on the available evidence, the clinical significance of this variant remains unclear.